The following is an entry in ClinVar:

NM_000487.6(ARSA):c.960G>T (p.Trp320Cys)

Gene: ARSA (arylsulfatase A; minus strand). Cytogenetic location: 22q13.33.
Variant type: single nucleotide variant.
Coding change: c.960G>T on transcript NM_000487.6 (MANE Select); coding-DNA position 960, G replaced by T.
Protein change: p.Trp320Cys; replaces tryptophan 320 with cysteine.
Molecular consequence: missense variant.
Genome position (GRCh38, 1-based): chr22:50,626,173, C>A on the plus strand (G>T on the coding strand, the complement: ARSA is on the minus strand). VCF-style: chr22-50626173-C-A. GRCh37 (hg19) VCF-style: chr22-51064601-C-A.
Other names: NP_000478.3:p.(Trp320Cys); c.960G>T, p.Trp320Cys (NM_001085425.3, NM_001085426.3, NM_001085427.3); c.702G>T, p.Trp234Cys (NM_001085428.3, NM_001362782.2); c.960G>T (NM_000487.5); short protein forms W234C, W320C.
Identifiers: ClinVar variation 3588131 (VCV003588131.6).

ClinVar aggregate classification (germline): Pathogenic/Likely pathogenic. Review status: criteria provided, multiple submitters, no conflicts (2 of 4 stars). 4 submissions from 4 submitters: Pathogenic (2); Likely pathogenic (2). Last evaluated 2026-09-17.

Conditions:
Metachromatic leukodystrophy (MLD). Also called: ARSA DEFICIENCY; CEREBROSIDE SULFATASE DEFICIENCY; Cerebral sclerosis diffuse metachromatic form; Arylsulfatase A Deficiency; METACHROMATIC LEUKOENCEPHALOPATHY; SULFATIDE LIPIDOSIS. Identifiers: Orphanet 512, MedGen C0023522, MONDO:0018868, OMIM 250100.

Submissions (4):

Laboratory of Experimental Gene Therapy of Hereditary Metabolic Diseases, Research Centre for Medical Genetics
Classification: Likely pathogenic for Metachromatic leukodystrophy. Last evaluated: 2026-09-17. Review status: criteria provided, single submitter. Criteria: ARSA MLD Assertion Criteria V2 2026 09 18. Collection method: clinical testing. Allele origin: germline. Inheritance: Autosomal recessive inheritance. Affected: yes. Observed: 1 variant allele, 1 homozygote.
Comment: The previously reported Likely pathogenic classification was reviewed and retained for the accompanying study. External ClinVar record reviewed: VCV003588131.5. Observations from the present referral series were not used to establish pathogenicity.

Natera, Inc.
Classification: Pathogenic for Metachromatic leukodystrophy. Last evaluated: 2025-02-06. Review status: criteria provided, single submitter. Criteria: Natera Variant Classification Schema (03/2026). Collection method: clinical testing. Allele origin: germline.
Comment: The c.960G>T variant in ARSA is a missense variant predicted to cause substitution of tryptophan to cysteine at amino acid 320. This variant is rare in the general population with a frequency below the threshold expected for the associated phenotype(s). This variant has been observed in one or more individuals affected with the associated recessive disease, as either homozygous or compound heterozygous with a second variant (PMID: 33335837, 33185815, 22993277). This variant has been observed to segregate in affected family members (PMID: 33335837). This variant has been identified in one or more affected individual with a phenotype highly consistent with the associated gene (PMID: 33335837, 33185815, 22993277). Functional studies show that this variant may disrupt protein function (PMID: 27904824). Computational prediction algorithms indicate this variant is likely to affect gene or protein function. Given the available evidence, this variant is classified as Pathogenic.

Labcorp Genetics (formerly Invitae), Labcorp
Classification: Pathogenic for Metachromatic leukodystrophy. Last evaluated: 2024-11-10. Review status: criteria provided, single submitter. Criteria: Invitae Variant Classification Sherloc (09022015). Collection method: clinical testing. Allele origin: germline.
Comment: This sequence change replaces tryptophan, which is neutral and slightly polar, with cysteine, which is neutral and slightly polar, at codon 320 of the ARSA protein (p.Trp320Cys). This variant is not present in population databases (gnomAD no frequency). This missense change has been observed in individual(s) with metachromatic leukodystrophy (PMID: 18768108, 27904824). Invitae Evidence Modeling of protein sequence and biophysical properties (such as structural, functional, and spatial information, amino acid conservation, physicochemical variation, residue mobility, and thermodynamic stability) indicates that this missense variant is expected to disrupt ARSA protein function with a positive predictive value of 95%. Experimental studies have shown that this missense change affects ARSA function (PMID: 27904824). For these reasons, this variant has been classified as Pathogenic.

Fulgent Genetics
Classification: Likely pathogenic for Metachromatic leukodystrophy. Last evaluated: 2024-02-06. Review status: criteria provided, single submitter. Criteria: ACMG Guidelines, 2015. Collection method: clinical testing. Allele origin: germline.

Literature cited by the submitters: PubMed 33335837 (cited by Natera, Inc.); PubMed 33185815 (cited by Natera, Inc.); PubMed 22993277 (cited by Natera, Inc.); PubMed 27904824 (cited by Natera, Inc. and Labcorp Genetics (formerly Invitae), Labcorp); PubMed 18768108 (cited by Labcorp Genetics (formerly Invitae), Labcorp).